The following is an entry in ClinVar:

NM_000038.6(APC):c.531+4A>G

Gene: APC (APC regulator of Wnt signaling pathway; plus strand). Cytogenetic location: 5q22.2.
Variant type: single nucleotide variant.
Coding change: c.531+4A>G on transcript NM_000038.6 (MANE Select); 4 bases into the intron after coding-DNA position 531, A replaced by G.
Molecular consequence: intron variant.
Genome position (GRCh38, 1-based): chr5:112,775,741, A>G. VCF-style: chr5-112775741-A-G. GRCh37 (hg19) VCF-style: chr5-112111438-A-G.
Other names: c.531+4A>G (NM_001354895.2, NM_001127510.3, NM_001354896.2 and 2 more transcripts); c.561+4A>G (NM_001354897.2, NM_001354902.2, NM_001127511.3); c.456+4A>G (NM_001354898.2, NM_001354904.2); c.-505+4A>G (NM_001354906.2); c.354+4A>G (NM_001354900.2, NM_001354901.2, NM_001354905.2).
Identifiers: ClinVar variation 1467952 (VCV001467952.6), dbSNP rs2149616393, ClinGen allele CA2573138631.

ClinVar aggregate classification (germline): Pathogenic (1 of 4 stars; one submission).

Conditions:
Familial adenomatous polyposis 1 (FAP1). Also called: FAMILIAL ADENOMATOUS POLYPOSIS 1, ATTENUATED; POLYPOSIS, ADENOMATOUS INTESTINAL. Identifiers: MedGen C2713442, MONDO:0021056, OMIM 175100. Disease mechanism: loss of function.

Submission:

Labcorp Genetics (formerly Invitae), Labcorp
Classification: Pathogenic for Familial adenomatous polyposis 1. Last evaluated: 2025-05-05. Review status: criteria provided, single submitter. Criteria: Invitae Variant Classification Sherloc (09022015). Collection method: clinical testing. Allele origin: germline.
Comment: This sequence change falls in intron 5 of the APC gene. It does not directly change the encoded amino acid sequence of the APC protein. RNA analysis indicates that this variant induces altered splicing and may result in an absent or altered protein product. This variant is not present in population databases (gnomAD no frequency). This variant has not been reported in the literature in individuals affected with APC-related conditions. ClinVar contains an entry for this variant (Variation ID: 1467952). Variants that disrupt the consensus splice site are a relatively common cause of aberrant splicing (PMID: 17576681, 9536098). Studies have shown that this variant results in skipping of exon 5, and produces a non-functional protein and/or introduces a premature termination codon (internal data). For these reasons, this variant has been classified as Pathogenic.

Literature cited by the submitters: PubMed 17576681; PubMed 9536098.